The following is an entry in ClinVar:

NM_002875.5(RAD51):c.161A>G (p.Tyr54Cys)

Gene: RAD51 (RAD51 recombinase; plus strand). Cytogenetic location: 15q15.1.
Variant type: single nucleotide variant.
Coding change: c.161A>G on transcript NM_002875.5 (MANE Select); coding-DNA position 161, A replaced by G.
Protein change: p.Tyr54Cys; replaces tyrosine 54 with cysteine.
Molecular consequence: missense variant.
Genome position (GRCh38, 1-based): chr15:40,701,137, A>G. VCF-style: chr15-40701137-A-G. GRCh37 (hg19) VCF-style: chr15-40993335-A-G.
Other names: c.161A>G, p.Tyr54Cys (NM_001164269.2, NM_001164270.2, NM_133487.4); short protein forms Y54C.
Identifiers: ClinVar variation 3222840 (VCV003222840.3), dbSNP rs769146109, ClinGen allele CA7483928.

ClinVar aggregate classification (germline): Uncertain significance. Review status: criteria provided, multiple submitters, no conflicts (2 of 4 stars). 2 submissions from 2 submitters: Uncertain significance (2). Last evaluated 2024-04-10.

Conditions:
Inborn genetic diseases. Identifiers: MedGen C0950123, MeSH D030342.

Allele frequency attached by ClinVar (database versions not stated): TOPMed below 0.00001; ExAC 0.00001.

Submissions (2):

Labcorp Genetics (formerly Invitae), Labcorp
Classification: Uncertain significance. Last evaluated: 2024-04-10. Review status: criteria provided, single submitter. Criteria: Invitae Variant Classification Sherloc (09022015). Collection method: clinical testing. Allele origin: germline.
Comment: This sequence change replaces tyrosine, which is neutral and polar, with cysteine, which is neutral and slightly polar, at codon 54 of the RAD51 protein (p.Tyr54Cys). This variant is present in population databases (rs769146109, gnomAD 0.0009%). This variant has not been reported in the literature in individuals affected with RAD51-related conditions. An algorithm developed to predict the effect of missense changes on protein structure and function (PolyPhen-2) suggests that this variant is likely to be disruptive. In summary, the available evidence is currently insufficient to determine the role of this variant in disease. Therefore, it has been classified as a Variant of Uncertain Significance.

Ambry Genetics
Classification: Uncertain significance for Inborn genetic diseases. Last evaluated: 2023-12-30. Review status: criteria provided, single submitter. Criteria: Ambry Variant Classification Scheme 2023. Collection method: clinical testing. Allele origin: germline.
Comment: The p.Y54C variant (also known as c.161A>G), located in coding exon 2 of the RAD51 gene, results from an A to G substitution at nucleotide position 161. The tyrosine at codon 54 is replaced by cysteine, an amino acid with highly dissimilar properties. This amino acid position is conserved. In addition, the in silico prediction for this alteration is inconclusive. Since supporting evidence is limited at this time, the clinical significance of this alteration remains unclear.